The following is an entry in ClinVar:

NM_001135649.3(FOXI3):c.176C>A (p.Pro59His)

Gene: FOXI3 (forkhead box I3; minus strand). Cytogenetic location: 2p11.2.
Variant type: single nucleotide variant.
Coding change: c.176C>A on transcript NM_001135649.3 (MANE Select); coding-DNA position 176, C replaced by A.
Protein change: p.Pro59His; replaces proline 59 with histidine.
Molecular consequence: missense variant.
Genome position (GRCh38, 1-based): chr2:88,452,360, G>T on the plus strand (C>A on the coding strand, the complement: FOXI3 is on the minus strand). VCF-style: chr2-88452360-G-T. GRCh37 (hg19) VCF-style: chr2-88751878-G-T.
Other names: c.176C>A (NM_001135649.2); short protein forms P59H.
Identifiers: ClinVar variation 2070050 (VCV002070050.5), dbSNP rs867949447, ClinGen allele CA51944245.

ClinVar aggregate classification (germline): Uncertain significance. Review status: criteria provided, multiple submitters, no conflicts (2 of 4 stars). 2 submissions from 2 submitters: Uncertain significance (2). Last evaluated 2025-10-22.

Conditions:
FOXI3-related disorder. Also called: FOXI3-related condition.

Allele frequency attached by ClinVar (database versions not stated): gnomAD 0.00001; TOPMed 0.00001.
gnomAD v4.1: 16 of 985,930 alleles (0.0016%); highest among the groups gnomAD compares: South Asian, 0.0045%; no homozygotes.

Submissions (2):

Labcorp Genetics (formerly Invitae), Labcorp
Classification: Uncertain significance. Last evaluated: 2025-10-22. Review status: criteria provided, single submitter. Criteria: Invitae Variant Classification Sherloc (09022015). Collection method: clinical testing. Allele origin: germline.
Comment: This sequence change replaces proline, which is neutral and non-polar, with histidine, which is basic and polar, at codon 59 of the FOXI3 protein (p.Pro59His). The frequency data for this variant in the population databases is considered unreliable, as metrics indicate insufficient coverage at this position in the gnomAD database. This variant has not been reported in the literature in individuals affected with FOXI3-related conditions. ClinVar contains an entry for this variant (Variation ID: 2070050). Experimental studies and prediction algorithms are not available or were not evaluated, and the functional significance of this variant is currently unknown. In summary, the available evidence is currently insufficient to determine the role of this variant in disease. Therefore, it has been classified as a Variant of Uncertain Significance.

PreventionGenetics, part of Exact Sciences
Classification: Uncertain significance for FOXI3-related condition. Last evaluated: 2023-07-07. Review status: criteria provided, single submitter. Criteria: ACMG Guidelines, 2015. Collection method: clinical testing. Allele origin: germline.
Comment: The FOXI3 c.176C>A variant is predicted to result in the amino acid substitution p.Pro59His. To our knowledge, this variant has not been reported in the literature or in a large population database, indicating this variant is rare. At this time, the clinical significance of this variant is uncertain due to the absence of conclusive functional and genetic evidence.